The following is an entry in ClinVar:

ClinVar aggregate classification (germline): Uncertain significance (1 of 4 stars; one submission).

Conditions:
Landau-Kleffner syndrome (FESD). Also called: APHASIA, ACQUIRED, WITH EPILEPSY; EPILEPSY, FOCAL, WITH SPEECH DISORDER AND WITH OR WITHOUT MENTAL RETARDATION. Identifiers: Orphanet 1945, Orphanet 725, Orphanet 98818, MedGen C0282512, MONDO:0009509, OMIM 245570.

Submission:

Labcorp Genetics (formerly Invitae), Labcorp
Classification: Uncertain significance for Landau-Kleffner syndrome. Last evaluated: 2020-03-04. Review status: criteria provided, single submitter. Criteria: Invitae Variant Classification Sherloc (09022015). Collection method: clinical testing. Allele origin: germline.
Comment: Algorithms developed to predict the effect of missense changes on protein structure and function (SIFT, PolyPhen-2, Align-GVGD) all suggest that this variant is likely to be tolerated, but these predictions have not been confirmed by published functional studies and their clinical significance is uncertain. This variant has not been reported in the literature in individuals with GRIN2A-related conditions. This variant is not present in population databases (ExAC no frequency). This sequence change replaces proline with alanine at codon 1074 of the GRIN2A protein (p.Pro1074Ala). The proline residue is moderately conserved and there is a small physicochemical difference between proline and alanine. In summary, the available evidence is currently insufficient to determine the role of this variant in disease. Therefore, it has been classified as a Variant of Uncertain Significance.

NM_001134407.3(GRIN2A):c.3220C>G (p.Pro1074Ala)

Gene: GRIN2A (glutamate ionotropic receptor NMDA type subunit 2A; minus strand). Cytogenetic location: 16p13.2.
Variant type: single nucleotide variant.
Coding change: c.3220C>G on transcript NM_001134407.3 (MANE Select); coding-DNA position 3220, C replaced by G.
Protein change: p.Pro1074Ala; replaces proline 1074 with alanine.
Molecular consequence: missense variant.
Genome position (GRCh38, 1-based): chr16:9,764,324, G>C on the plus strand (C>G on the coding strand, the complement: GRIN2A is on the minus strand). VCF-style: chr16-9764324-G-C. GRCh37 (hg19) VCF-style: chr16-9858181-G-C.
Other names: c.3220C>G, p.Pro1074Ala (NM_000833.5, NM_001134408.2); short protein forms P1074A.
Identifiers: ClinVar variation 1062744 (VCV001062744.9), dbSNP rs1900768310, ClinGen allele CA394708351.
Genomic context (GRCh38, chr16:9,764,324, plus strand): 5'-ATTTGGAGGCCACTGACCTTTTAAAGTTGTCCTTGGTTTTGTGGTTCTTACTGTTGTCAG[G>C]TTCCCTGTGGCACGTGGCCCGATTTGACGTTTCTGAAATGTCAGAGTGGGCCATCTCTTC-3'
Protein context (NP_001127879.1, residues 1064-1084): TSNRATCHRE[Pro1074Ala]DNSKNHKTKD